The following is an entry in ClinVar:

NM_004035.7(ACOX1):c.16C>T (p.Arg6Cys)

Gene: ACOX1 (acyl-CoA oxidase 1; minus strand). Cytogenetic location: 17q25.1.
Variant type: single nucleotide variant.
Coding change: c.16C>T on transcript NM_004035.7 (MANE Select); coding-DNA position 16, C replaced by T.
Protein change: p.Arg6Cys; replaces arginine 6 with cysteine.
Molecular consequence: missense variant. On other transcripts: 5 prime UTR variant (1).
Genome position (GRCh38, 1-based): chr17:75,979,058, G>A on the plus strand (C>T on the coding strand, the complement: ACOX1 is on the minus strand). VCF-style: chr17-75979058-G-A. GRCh37 (hg19) VCF-style: chr17-73975139-G-A.
Other names: c.16C>T, p.Arg6Cys (NM_007292.6); c.-273C>T (NM_001185039.2); c.16C>T (NM_004035.6); short protein forms R6C.
Identifiers: ClinVar variation 2058360 (VCV002058360.5), dbSNP rs141670654, ClinGen allele CA8777177.

ClinVar aggregate classification (germline): Uncertain significance. Review status: criteria provided, multiple submitters, no conflicts (2 of 4 stars). 4 submissions from 4 submitters: Uncertain significance (4). Last evaluated 2024-11-14.

Conditions:
Inborn genetic diseases. Identifiers: MedGen C0950123, MeSH D030342.
Acyl-CoA oxidase deficiency. Also called: STRAIGHT-CHAIN ACYL-CoA OXIDASE DEFICIENCY; Pseudoneonatal adrenoleukodystrophy; Peroxisomal acyl-CoA oxidase deficiency. Identifiers: Orphanet 2971, MedGen C1849678, MONDO:0009919, OMIM 264470. Disease mechanism: loss of function.

Allele frequency attached by ClinVar (database versions not stated): 1000 Genomes Project 30x 0.00016; 1000 Genomes Project 0.00020; ESP Exome Variant Server 0.00023.
gnomAD v4.1: 227 of 1,611,954 alleles (0.014%); highest among the groups gnomAD compares: Middle Eastern, 0.049%; no homozygotes.

Submissions (4):

Blueprint Genetics
Classification: Uncertain significance. Last evaluated: 2024-11-14. Review status: criteria provided, single submitter. Criteria: ACMG Guidelines, 2015. Collection method: clinical testing. Allele origin: germline.

Labcorp Genetics (formerly Invitae), Labcorp
Classification: Uncertain significance for Acyl-CoA oxidase deficiency. Last evaluated: 2024-10-21. Review status: criteria provided, single submitter. Criteria: Invitae Variant Classification Sherloc (09022015). Collection method: clinical testing. Allele origin: germline.
Comment: This sequence change replaces arginine, which is basic and polar, with cysteine, which is neutral and slightly polar, at codon 6 of the ACOX1 protein (p.Arg6Cys). This variant is present in population databases (rs141670654, gnomAD 0.03%). This variant has not been reported in the literature in individuals affected with ACOX1-related conditions. ClinVar contains an entry for this variant (Variation ID: 2058360). An algorithm developed to predict the effect of missense changes on protein structure and function (PolyPhen-2) suggests that this variant¬†is likely to be tolerated. In summary, the available evidence is currently insufficient to determine the role of this variant in disease. Therefore, it has been classified as a Variant of Uncertain Significance.

Ambry Genetics
Classification: Uncertain significance for Inborn genetic diseases. Last evaluated: 2024-03-27. Review status: criteria provided, single submitter. Criteria: Ambry Variant Classification Scheme 2023. Collection method: clinical testing. Allele origin: germline.
Comment: Unlikely to be causative of Mitchell syndrome (AD) Based on insufficient or conflicting evidence, the clinical significance of this alteration remains unclear.

Breakthrough Genomics
Classification: Uncertain significance. Review status: criteria provided, single submitter. Criteria: ACMG Guidelines, 2015. Collection method: not provided. Allele origin: germline. Inheritance: Autosomal recessive inheritance. Affected: yes.